The following is an entry in ClinVar:

ClinVar aggregate classification (germline): Uncertain significance (1 of 4 stars; one submission).

Conditions:
Tuberous sclerosis 2 (TSC2). Identifiers: Orphanet 805, MedGen C1860707, MONDO:0013199, OMIM 613254.

Submission:

Labcorp Genetics (formerly Invitae), Labcorp
Classification: Uncertain significance for Tuberous sclerosis 2. Last evaluated: 2024-01-25. Review status: criteria provided, single submitter. Criteria: Invitae Variant Classification Sherloc (09022015). Collection method: clinical testing. Allele origin: germline.
Comment: This sequence change replaces threonine, which is neutral and polar, with proline, which is neutral and non-polar, at codon 1485 of the TSC2 protein (p.Thr1485Pro). This variant is not present in population databases (gnomAD no frequency). This variant has not been reported in the literature in individuals affected with TSC2-related conditions. ClinVar contains an entry for this variant (Variation ID: 643010). Advanced modeling of protein sequence and biophysical properties (such as structural, functional, and spatial information, amino acid conservation, physicochemical variation, residue mobility, and thermodynamic stability) performed at Invitae indicates that this missense variant is not expected to disrupt TSC2 protein function with a negative predictive value of 95%. In summary, the available evidence is currently insufficient to determine the role of this variant in disease. Therefore, it has been classified as a Variant of Uncertain Significance.

NM_000548.5(TSC2):c.4453A>C (p.Thr1485Pro)

Gene: TSC2 (TSC complex subunit 2; plus strand). Cytogenetic location: 16p13.3.
Variant type: single nucleotide variant.
Coding change: c.4453A>C on transcript NM_000548.5 (MANE Select); coding-DNA position 4453, A replaced by C.
Protein change: p.Thr1485Pro; replaces threonine 1485 with proline.
Molecular consequence: missense variant.
Genome position (GRCh38, 1-based): chr16:2,084,675, A>C. VCF-style: chr16-2084675-A-C. GRCh37 (hg19) VCF-style: chr16-2134676-A-C.
Other names: c.3721A>C, p.Thr1241Pro (NM_001318831.2); c.4285A>C, p.Thr1429Pro (NM_001318832.2); c.4255A>C, p.Thr1419Pro (NM_001363528.2); c.4321A>C, p.Thr1441Pro (NM_001370404.1); c.4324A>C, p.Thr1442Pro (NM_001370405.1, NM_021055.3); c.4252A>C, p.Thr1418Pro (NM_001077183.3); c.4384A>C, p.Thr1462Pro (NM_001114382.3); c.4144A>C, p.Thr1382Pro (NM_001318827.2); and 1 more; short protein forms T1370P, T1418P, T1429P, T1419P, T1441P, T1241P, T1382P, T1442P.
Identifiers: ClinVar variation 643010 (VCV000643010.8), dbSNP rs1596418612, ClinGen allele CA394302419.